The following is an entry in ClinVar:

ClinVar aggregate classification (germline): Uncertain significance (1 of 4 stars; one submission).

Conditions:
Autosomal recessive spinocerebellar ataxia 12. Also called: SPINOCEREBELLAR ATAXIA WITH MENTAL RETARDATION AND EPILEPSY. Identifiers: Orphanet 284282, MedGen C3280452, MONDO:0013687, OMIM 614322.
Developmental and epileptic encephalopathy, 1 (DEE1). Also called: Epileptic encephalopathy, early infantile, 1; X-linked infantile spasms; West's syndrome; Tonic spasms with clustering, arrest of psychomotor development and hypsarrhythmia on EEG; X-Linked Infantile Spasm Syndrome; OHTAHARA SYNDROME, X-LINKED. Identifiers: MedGen C3463992, MONDO:0010632, OMIM 308350. Disease mechanism: loss of function.

Submission:

Labcorp Genetics (formerly Invitae), Labcorp
Classification: Uncertain significance for Epileptic encephalopathy, early infantile, 1; Spinocerebellar ataxia, autosomal recessive 12. Last evaluated: 2019-09-03. Review status: criteria provided, single submitter. Criteria: Invitae Variant Classification Sherloc (09022015). Collection method: clinical testing. Allele origin: germline.
Comment: This variant results in a copy number gain of the genomic region encompassing exons 6-8 of the WWOX gene. While the exact position of this variant cannot be determined from this data, sub-genic copy number gains are generally in tandem (PMID: 25640679). This variant would be expected to be in-frame, preserving the integrity of the reading frame. This variant has not been reported in the literature in individuals with WWOX-related conditions. Experimental studies and prediction algorithms are not available or were not evaluated for this variant, and the functional significance of this variant is currently unknown. In summary, the available evidence is currently insufficient to determine the role of this variant in disease. Therefore, it has been classified as a Variant of Uncertain Significance.

NC_000016.10:g.(?_78386840)_(78624496_?)dup

Gene: WWOX (WW domain containing oxidoreductase; plus strand). Cytogenetic location: 16q23.1.
Variant type: Duplication.
Identifiers: ClinVar variation 832944 (VCV000832944.2).